The following is an entry in ClinVar:

NM_153252.5(BRWD3):c.2858A>G (p.His953Arg)

Gene: BRWD3 (bromodomain and WD repeat domain containing 3; minus strand). Cytogenetic location: Xq21.1.
Variant type: single nucleotide variant.
Coding change: c.2858A>G on transcript NM_153252.5 (MANE Select); coding-DNA position 2858, A replaced by G.
Protein change: p.His953Arg; replaces histidine 953 with arginine.
Molecular consequence: missense variant.
Genome position (GRCh38, 1-based): chrX:80,700,042, T>C on the plus strand (A>G on the coding strand, the complement: BRWD3 is on the minus strand). VCF-style: chrX-80700042-T-C. GRCh37 (hg19) VCF-style: chrX-79955541-T-C.
Other names: c.2708A>G, p.His903Arg (NM_001441339.1); short protein forms H903R, H953R.
Identifiers: ClinVar variation 4744885 (VCV004744885.1).

ClinVar aggregate classification (germline): Uncertain significance (1 of 4 stars; one submission).

Submission:

Labcorp Genetics (formerly Invitae), Labcorp
Classification: Uncertain significance. Last evaluated: 2026-01-13. Review status: criteria provided, single submitter. Criteria: Invitae Variant Classification Sherloc (09022015). Collection method: clinical testing. Allele origin: germline.
Comment: This sequence change replaces histidine, which is basic and polar, with arginine, which is basic and polar, at codon 953 of the BRWD3 protein (p.His953Arg). This variant is not present in population databases (gnomAD no frequency). This variant has not been reported in the literature in individuals affected with BRWD3-related conditions. Invitae Evidence Modeling of protein sequence and biophysical properties (such as structural, functional, and spatial information, amino acid conservation, physicochemical variation, residue mobility, and thermodynamic stability) indicates that this missense variant is expected to disrupt BRWD3 protein function with a positive predictive value of 80%. In summary, the available evidence is currently insufficient to determine the role of this variant in disease. Therefore, it has been classified as a Variant of Uncertain Significance.